The following is an entry in ClinVar:

ClinVar aggregate classification (germline): Conflicting classifications of pathogenicity. Review status: criteria provided, conflicting classifications (1 of 4 stars). 7 submissions from 7 submitters: Uncertain significance (6); Likely benign (1). Last evaluated 2026-02-01.

Conditions:
Dilated cardiomyopathy 1W (CMD1W). Identifiers: Orphanet 154, MedGen C1969639, MONDO:0012667, OMIM 611407.
Hypertrophic cardiomyopathy 15. Identifiers: MedGen C2750459, MONDO:0013200, OMIM 613255.
VCL-related disorder. Also called: VCL-related condition.
Cardiovascular phenotype. Identifiers: MedGen CN230736.

Allele frequency attached by ClinVar (database versions not stated): ExAC 0.00002; gnomAD exomes 0.00003 and 0.00006; gnomAD 0.00005; TOPMed 0.00005; ESP Exome Variant Server 0.00015.
gnomAD v4.1: 93 of 1,614,046 alleles (0.0058%); highest among the groups gnomAD compares: Non-Finnish European, 0.0074%; no homozygotes.

Submissions (7):

Labcorp Genetics (formerly Invitae), Labcorp
Classification: Uncertain significance for Dilated cardiomyopathy 1W. Last evaluated: 2026-02-01. Review status: criteria provided, single submitter. Criteria: Invitae Variant Classification Sherloc (09022015). Collection method: clinical testing. Allele origin: germline.
Comment: This sequence change replaces aspartic acid, which is acidic and polar, with glutamic acid, which is acidic and polar, at codon 429 of the VCL protein (p.Asp429Glu). This variant is present in population databases (rs139371702, gnomAD 0.006%). This missense change has been observed in individual(s) with dilated cardiomyopathy (PMID: 32880476). ClinVar contains an entry for this variant (Variation ID: 300787). An algorithm developed to predict the effect of missense changes on protein structure and function (PolyPhen-2) suggests that this variant is likely to be tolerated. In summary, the available evidence is currently insufficient to determine the role of this variant in disease. Therefore, it has been classified as a Variant of Uncertain Significance.

PreventionGenetics, part of Exact Sciences
Classification: Uncertain significance for VCL-related condition. Last evaluated: 2025-12-26. Review status: criteria provided, single submitter. Criteria: ACMG Guidelines, 2015. Collection method: clinical testing. Allele origin: germline.
Comment: The VCL c.1287T>A variant is predicted to result in the amino acid substitution p.Asp429Glu. This variant has been reported as a variant of uncertain significance in an individual with dilated cardiomyopathy (Table S4, Verdonschot et al. 2020. PubMed ID: 32880476). This variant is reported in 0.0070% of alleles in individuals of European (Non-Finnish) descent in gnomAD. At this time, the clinical significance of this variant is uncertain due to the absence of conclusive functional and genetic evidence.

ARUP Laboratories, Molecular Genetics and Genomics, ARUP Laboratories
Classification: Likely benign. Last evaluated: 2025-01-22. Review status: criteria provided, single submitter. Criteria: ARUP Molecular Germline Variant Investigation Process 2024. Collection method: clinical testing. Allele origin: germline.

Ambry Genetics
Classification: Uncertain significance for Cardiovascular phenotype. Last evaluated: 2025-01-01. Review status: criteria provided, single submitter. Criteria: Ambry Variant Classification Scheme 2023. Collection method: clinical testing. Allele origin: germline.

GeneDx
Classification: Uncertain significance. Last evaluated: 2022-05-25. Review status: criteria provided, single submitter. Criteria: GeneDx Variant Classification Process June 2021. Collection method: clinical testing. Allele origin: germline. Affected: yes.
Comment: Identified in a patient with dilated cardiomyopathy (Verdonschot et al., 2020); however, specific clinical information was not provided; In silico analysis supports that this missense variant does not alter protein structure/function; This variant is associated with the following publications: (PMID: 32880476)

Fulgent Genetics
Classification: Uncertain significance for Dilated cardiomyopathy 1W; Hypertrophic cardiomyopathy 15. Last evaluated: 2021-09-10. Review status: criteria provided, single submitter. Criteria: ACMG Guidelines, 2015. Collection method: clinical testing. Allele origin: unknown.

Illumina Laboratory Services, Illumina
Classification: Uncertain significance for Dilated cardiomyopathy 1W. Last evaluated: 2018-01-13. Review status: criteria provided, single submitter. Criteria: ICSL Variant Classification Criteria 13 December 2019. Collection method: clinical testing. Allele origin: germline.

Literature cited by the submitters: PubMed 32880476 (cited by Labcorp Genetics (formerly Invitae), Labcorp).

NM_014000.3(VCL):c.1287T>A (p.Asp429Glu)

Gene: VCL (vinculin; plus strand). Cytogenetic location: 10q22.2.
Variant type: single nucleotide variant.
Coding change: c.1287T>A on transcript NM_014000.3 (MANE Select); coding-DNA position 1287, T replaced by A.
Protein change: p.Asp429Glu; replaces aspartic acid 429 with glutamic acid.
Molecular consequence: missense variant.
Genome position (GRCh38, 1-based): chr10:74,090,133, T>A. VCF-style: chr10-74090133-T-A. GRCh37 (hg19) VCF-style: chr10-75849891-T-A.
Other names: c.1287T>A, p.Asp429Glu (NM_003373.4); short protein forms D429E.
Identifiers: ClinVar variation 300787 (VCV000300787.18), dbSNP rs139371702, ClinGen allele CA5562966.